The following is an entry in ClinVar:

NM_016580.4(PCDH12):c.3145C>T (p.Arg1049Trp)

Gene: PCDH12 (protocadherin 12; minus strand). Cytogenetic location: 5q31.3.
Variant type: single nucleotide variant.
Coding change: c.3145C>T on transcript NM_016580.4 (MANE Select); coding-DNA position 3145, C replaced by T.
Protein change: p.Arg1049Trp; replaces arginine 1049 with tryptophan.
Molecular consequence: missense variant.
Genome position (GRCh38, 1-based): chr5:141,945,791, G>A on the plus strand (C>T on the coding strand, the complement: PCDH12 is on the minus strand). VCF-style: chr5-141945791-G-A. GRCh37 (hg19) VCF-style: chr5-141325356-G-A.
Other names: c.3145C>T (NM_016580.3, NM_016580.2); short protein forms R1049W.
Identifiers: ClinVar variation 1435096 (VCV001435096.10), dbSNP rs200233494, ClinGen allele CA3484043.

ClinVar aggregate classification (germline): Uncertain significance. Review status: criteria provided, multiple submitters, no conflicts (2 of 4 stars). 3 submissions from 3 submitters: Uncertain significance (3). Last evaluated 2025-04-01.

Conditions:
Inborn genetic diseases. Identifiers: MedGen C0950123, MeSH D030342.

Allele frequency attached by ClinVar (database versions not stated): gnomAD exomes 0.00003; ExAC 0.00004; gnomAD 0.00008; TOPMed 0.00010; ESP Exome Variant Server 0.00015; 1000 Genomes Project 0.00020; 1000 Genomes Project 30x 0.00031.
gnomAD v4.1: 37 of 1,612,304 alleles (0.0023%); highest among the groups gnomAD compares: Middle Eastern, 0.035%; no homozygotes.

Submissions (3):

Ambry Genetics
Classification: Uncertain significance for Inborn genetic diseases. Last evaluated: 2025-04-01. Review status: criteria provided, single submitter. Criteria: Ambry Variant Classification Scheme 2023. Collection method: clinical testing. Allele origin: germline.

GeneDx
Classification: Uncertain significance. Last evaluated: 2024-11-11. Review status: criteria provided, single submitter. Criteria: GeneDx Variant Classification Process June 2021. Collection method: clinical testing. Allele origin: germline. Affected: yes.
Comment: Not observed at significant frequency in large population cohorts (gnomAD); In silico analysis indicates that this missense variant does not alter protein structure/function; Has not been previously published as pathogenic or benign to our knowledge

Labcorp Genetics (formerly Invitae), Labcorp
Classification: Uncertain significance. Last evaluated: 2022-08-31. Review status: criteria provided, single submitter. Criteria: Invitae Variant Classification Sherloc (09022015). Collection method: clinical testing. Allele origin: germline.
Comment: This sequence change replaces arginine, which is basic and polar, with tryptophan, which is neutral and slightly polar, at codon 1049 of the PCDH12 protein (p.Arg1049Trp). In summary, the available evidence is currently insufficient to determine the role of this variant in disease. Therefore, it has been classified as a Variant of Uncertain Significance. Advanced modeling of protein sequence and biophysical properties (such as structural, functional, and spatial information, amino acid conservation, physicochemical variation, residue mobility, and thermodynamic stability) performed at Invitae indicates that this missense variant is not expected to disrupt PCDH12 protein function. ClinVar contains an entry for this variant (Variation ID: 1435096). This variant has not been reported in the literature in individuals affected with PCDH12-related conditions. This variant is present in population databases (rs200233494, gnomAD 0.01%).